The following is an entry in ClinVar:

ClinVar aggregate classification (germline): Benign (0 of 4 stars; one submission).

Conditions:
HAP1-related disorder. Also called: HAP1-related condition.

Allele frequency attached by ClinVar (database versions not stated): ESP Exome Variant Server 0.00008; gnomAD exomes 0.00031; gnomAD 0.00037; TOPMed 0.00057; ExAC 0.00088; 1000 Genomes Project 30x 0.00109; 1000 Genomes Project 0.00120.
gnomAD v4.1: 493 of 1,609,056 alleles (0.031%); highest among the groups gnomAD compares: East Asian, 1%; 5 homozygotes.

Submission:

PreventionGenetics, part of Exact Sciences
Classification: Benign for HAP1-related condition. Last evaluated: 2019-08-29. Review status: no assertion criteria provided. Collection method: clinical testing. Allele origin: germline.
Comment: This variant is classified as benign based on ACMG/AMP sequence variant interpretation guidelines (Richards et al. 2015 PMID: 25741868, with internal and published modifications).

NM_177977.3(HAP1):c.311G>A (p.Trp104Ter)

Gene: HAP1 (huntingtin associated protein 1; minus strand). Cytogenetic location: 17q21.2.
Variant type: single nucleotide variant.
Coding change: c.311G>A on transcript NM_177977.3 (MANE Select); coding-DNA position 311, G replaced by A.
Protein change: p.Trp104Ter; replaces tryptophan 104 with a stop codon.
Molecular consequence: nonsense.
Genome position (GRCh38, 1-based): chr17:41,734,324, C>T on the plus strand (G>A on the coding strand, the complement: HAP1 is on the minus strand). VCF-style: chr17-41734324-C-T. GRCh37 (hg19) VCF-style: chr17-39890576-C-T.
Other names: c.311G>A, p.Trp104Ter (NM_001079870.1, NM_001079871.1, NM_001367459.1 and 3 more transcripts); short protein forms W104*.
Identifiers: ClinVar variation 3049924 (VCV003049924.2), dbSNP rs181373328, ClinGen allele CA8564841.